The following is an entry in ClinVar:

NM_001112.4(ADARB1):c.1582A>G (p.Ile528Val)

Gene: ADARB1 (adenosine deaminase RNA specific B1; plus strand). Cytogenetic location: 21q22.3.
Variant type: single nucleotide variant.
Coding change: c.1582A>G on transcript NM_001112.4 (MANE Select); coding-DNA position 1582, A replaced by G.
Protein change: p.Ile528Val; replaces isoleucine 528 with valine.
Molecular consequence: missense variant. On other transcripts: non-coding transcript variant (5).
Genome position (GRCh38, 1-based): chr21:45,204,571, A>G. VCF-style: chr21-45204571-A-G. GRCh37 (hg19) VCF-style: chr21-46624486-A-G.
Other names: p.Ile568Val; c.1582A>G, p.Ile528Val (NM_001160230.2, NM_001346688.2); c.1849A>G, p.Ile617Val (NM_001346687.2); c.1702A>G, p.Ile568Val (NM_015833.4, NM_015834.4); short protein forms I568V, I528V, I617V.
Identifiers: ClinVar variation 218725 (VCV000218725.39), dbSNP rs146201109, ClinGen allele CA249285.

ClinVar aggregate classification (germline): Conflicting classifications of pathogenicity. Review status: criteria provided, conflicting classifications (1 of 4 stars). 4 submissions from 4 submitters: Uncertain significance (1); Benign (1); Likely benign (2). Last evaluated 2026-06-01.

Allele frequency attached by ClinVar (database versions not stated): 1000 Genomes Project 30x 0.00156; 1000 Genomes Project 0.00180; ExAC 0.00449; TOPMed 0.00471; gnomAD exomes 0.00483 and 0.00692; ESP Exome Variant Server 0.00484; gnomAD 0.00507 and 0.00533.
gnomAD v4.1: 10,937 of 1,614,102 alleles (0.68%); highest among the groups gnomAD compares: Non-Finnish European, 0.8%; 56 homozygotes.

Submissions (4):

CeGaT Center for Human Genetics Tuebingen
Classification: Likely benign. Last evaluated: 2026-06-01. Review status: criteria provided, single submitter. Criteria: CeGaT Center For Human Genetics Tuebingen Variant Classification Criteria Version 2. Collection method: clinical testing. Allele origin: germline. Affected: yes. Observed: 14 variant alleles.
Comment: ADARB1: BP4, BS2

Blueprint Genetics
Classification: Likely benign. Last evaluated: 2024-11-21. Review status: criteria provided, single submitter. Criteria: ACMG Guidelines, 2015. Collection method: clinical testing. Allele origin: germline.

Mayo Clinic Laboratories, Mayo Clinic
Classification: Benign. Last evaluated: 2023-09-21. Review status: criteria provided, single submitter. Criteria: ACMG Guidelines, 2015. Collection method: clinical testing. Allele origin: germline. Observed: 3 variant alleles.
Comment: BS1, BS2

Genomic Diagnostic Laboratory, Division of Genomic Diagnostics, Children's Hospital of Philadelphia
Classification: Uncertain significance. Last evaluated: 2015-11-11. Review status: criteria provided, single submitter. Criteria: DGD Variant Analysis Guidelines. Collection method: clinical testing. Allele origin: unknown.